The following is an entry in ClinVar:

ClinVar aggregate classification (germline): Pathogenic/Likely pathogenic. Review status: criteria provided, multiple submitters, no conflicts (2 of 4 stars). 2 submissions from 2 submitters: Pathogenic (1); Likely pathogenic (1). Last evaluated 2026-05-26.

Conditions:
Charcot-Marie-Tooth disease axonal type 2P. Also called: CHARCOT-MARIE-TOOTH NEUROPATHY, TYPE 2P; CHARCOT-MARIE-TOOTH DISEASE, AXONAL, TYPE 2G; CMT 2G; Charcot-Marie-Tooth Neuropathy Type 2G. Identifiers: Orphanet 300319, Orphanet 99941, MedGen C3280797, MONDO:0013753, OMIM 614436.
LRSAM1-related disorder. Also called: LRSAM1-related condition.

Submissions (2):

PreventionGenetics, part of Exact Sciences
Classification: Likely pathogenic for LRSAM1-related condition. Last evaluated: 2026-05-26. Review status: criteria provided, single submitter. Criteria: ACMG Guidelines, 2015. Collection method: clinical testing. Allele origin: germline.
Comment: The LRSAM1 c.2108_2114del7 variant is predicted to result in a frameshift and premature protein termination (p.Leu703Profs*30). which is predicted to result in a frameshift and protein extension (p.Leu703Profs*30). This variant resides in the final exon of this gene, and it is unlikely the resulting mRNA would undergo nonsense-mediated decay. To our knowledge, this variant has not been reported in the literature or in a large population database (gnomAD), indicating this variant is rare. Other frameshift, splice, and missense variants in the last exon have been reported in patients with autosomal dominant LRSAM1-related disorders (Reilich et al. 2020. PubMed ID: 33414056). This variant is interpreted as likely pathogenic for the autosomal dominant Charcot-Marie-Tooth disease type 2P.

Labcorp Genetics (formerly Invitae), Labcorp
Classification: Pathogenic for Charcot-Marie-Tooth disease axonal type 2P. Last evaluated: 2023-04-29. Review status: criteria provided, single submitter. Criteria: Invitae Variant Classification Sherloc (09022015). Collection method: clinical testing. Allele origin: germline.
Comment: This sequence change creates a premature translational stop signal (p.Leu703Profs*30) in the LRSAM1 gene. While this is not anticipated to result in nonsense mediated decay, it is expected to disrupt the last 21 amino acid(s) of the LRSAM1 protein. For these reasons, this variant has been classified as Pathogenic. This protein change is located in a region of the LRSAM1 protein where a significant number of LRSAM1 nonsense and frameshift mutations have been reported in autosomal dominant Charcot-Marie-Tooth disease (PMID: 33414056, 31211173, 29341362). ClinVar contains an entry for this variant (Variation ID: 2107035). This premature translational stop signal has been observed in individual(s) with clinical features of autosomal dominant Charcot-Marie-Tooth disease (Invitae). It has also been observed to segregate with disease in related individuals. This variant is not present in population databases (gnomAD no frequency).

Literature cited by the submitters: PubMed 33414056 (cited by Labcorp Genetics (formerly Invitae), Labcorp); PubMed 31211173 (cited by Labcorp Genetics (formerly Invitae), Labcorp); PubMed 29341362 (cited by Labcorp Genetics (formerly Invitae), Labcorp).

NM_001005373.4(LRSAM1):c.2108_2114del (p.Leu703fs)

Gene: LRSAM1 (leucine rich repeat and sterile alpha motif containing 1; plus strand). Cytogenetic location: 9q34.11.
Variant type: Deletion.
Coding change: c.2108_2114del on transcript NM_001005373.4 (MANE Select); coding-DNA positions 2108 to 2114, 7 bases deleted (TGCGCAC; older notation c.2108_2114delTGCGCAC).
Protein change: p.Leu703fs; shifts the reading frame from leucine 703.
Molecular consequence: frameshift variant. On other transcripts: non-coding transcript variant (2).
Genome position (GRCh38, 1-based): chr9:127,502,835-127,502,841, TGCGCAC deleted; deleting any 7 consecutive bases within chr9:127,502,832-127,502,841 gives the same sequence; the c. name uses the placement nearest the transcript's 3' end. VCF-style (leftmost placement, unchanged base first): chr9-127502831-CCACTGCG-C. GRCh37 (hg19) VCF-style: chr9-130265110-CCACTGCG-C.
Other names: c.2108_2114del, p.Leu703fs (NM_001005374.4, NM_001384142.1, NM_138361.5); c.2027_2033del, p.Leu676fs (NM_001190723.3); c.2009_2015del, p.Leu670fs (NM_001384143.1); c.1319_1325del, p.Leu440fs (NM_001384144.1); c.2108_2114del7 (NM_138361.5); short protein forms L670fs, L440fs, L676fs, L703fs.
Identifiers: ClinVar variation 2107035 (VCV002107035.5), dbSNP rs2539470853, ClinGen allele CA2579457823.